The following is an entry in ClinVar:

ClinVar aggregate classification (germline): Conflicting classifications of pathogenicity. Review status: criteria provided, conflicting classifications (1 of 4 stars). 2 submissions from 2 submitters: Likely pathogenic (1); Uncertain significance (1). Last evaluated 2024-11-27.

Conditions:
Cataract 2, multiple types (CTRCT2). Also called: CATARACT 2, MULTIPLE TYPES, WITH OR WITHOUT MICROCORNEA; CATARACT 2, NUCLEAR, WITH MICROCORNEA; CATARACT 2, NUCLEAR; CATARACT 2, ZONULAR PULVERULENT. Identifiers: Orphanet 91492, MedGen C4721890, MONDO:0100436, OMIM 604307.

gnomAD v4.1: 33 of 1,614,040 alleles (0.002%); highest among the groups gnomAD compares: Non-Finnish European, 0.0023%; no homozygotes.

Submissions (2):

Revvity Omics, Revvity
Classification: Likely pathogenic for Cataract 2, multiple types. Last evaluated: 2024-11-27. Review status: criteria provided, single submitter. Criteria: ACMG Guidelines, 2015. Collection method: clinical testing. Allele origin: germline.

Juno Genomics, Hangzhou Juno Genomics, Inc
Classification: Uncertain significance for Cataract 2, multiple types. Review status: criteria provided, single submitter. Criteria: ACMG Guidelines, 2015. Collection method: clinical testing. Allele origin: germline.
Comment: Absent from controls (or at extremely low frequency if recessive) in Genome Aggregation Database.

NM_020989.4(CRYGC):c.178C>T (p.Arg60Ter)

Genes: CRYGC (crystallin gamma C; minus strand), LOC100507443 (uncharacterized LOC100507443; plus strand). Cytogenetic location: 2q33.3.
Variant type: single nucleotide variant.
Coding change: c.178C>T on transcript NM_020989.4 (MANE Select); coding-DNA position 178, C replaced by T.
Protein change: p.Arg60Ter; replaces arginine 60 with a stop codon.
Molecular consequence: nonsense.
Genome position (GRCh38, 1-based): chr2:208,129,515, G>A on the plus strand (C>T on the coding strand, the complement: CRYGC is on the minus strand). VCF-style: chr2-208129515-G-A. GRCh37 (hg19) VCF-style: chr2-208994239-G-A.
Other names: short protein forms R60*.
Identifiers: ClinVar variation 4081299 (VCV004081299.3).